The following is an entry in ClinVar:

ClinVar aggregate classification (germline): Pathogenic. Review status: criteria provided, multiple submitters, no conflicts (2 of 4 stars). 2 submissions from 2 submitters: Pathogenic (2). Last evaluated 2024-10-03.

Conditions:
COL18A1-related disorder. Also called: COL18A1-related disorders; COL18A1-related condition.

Submissions (2):

Labcorp Genetics (formerly Invitae), Labcorp
Classification: Pathogenic. Last evaluated: 2024-10-03. Review status: criteria provided, single submitter. Criteria: Invitae Variant Classification Sherloc (09022015). Collection method: clinical testing. Allele origin: germline.
Comment: This sequence change creates a premature translational stop signal (p.Ala783Argfs*33) in the COL18A1 gene. It is expected to result in an absent or disrupted protein product. Loss-of-function variants in COL18A1 are known to be pathogenic (PMID: 12415512, 25456301). This variant is not present in population databases (gnomAD no frequency). This variant has not been reported in the literature in individuals affected with COL18A1-related conditions. For these reasons, this variant has been classified as Pathogenic.

Blueprint Genetics
Classification: Pathogenic for COL18A1-related disorders. Last evaluated: 2021-09-13. Review status: criteria provided, single submitter. Criteria: ACMG Guidelines, 2015. Collection method: clinical testing. Allele origin: germline. Affected: yes. Observed: 1 variant allele.

Literature cited by the submitters: PubMed 12415512 (cited by Labcorp Genetics (formerly Invitae), Labcorp); PubMed 25456301 (cited by Labcorp Genetics (formerly Invitae), Labcorp).

NM_001379500.1(COL18A1):c.2347_2350del (p.Ala783fs)

Gene: COL18A1 (collagen type XVIII alpha 1 chain; plus strand). Cytogenetic location: 21q22.3.
Variant type: Deletion.
Coding change: c.2347_2350del on transcript NM_001379500.1 (MANE Select); coding-DNA positions 2347 to 2350, 4 bases deleted (GCCA; older notation c.2347_2350delGCCA).
Protein change: p.Ala783fs; shifts the reading frame from alanine 783.
Molecular consequence: frameshift variant.
Genome position (GRCh38, 1-based): chr21:45,493,570-45,493,573, GCCA deleted; deleting any 4 consecutive bases within chr21:45,493,569-45,493,573 gives the same sequence; the c. name uses the placement nearest the transcript's 3' end. VCF-style (leftmost placement, unchanged base first): chr21-45493568-GAGCC-G. GRCh37 (hg19) VCF-style: chr21-46913482-GAGCC-G.
Other names: c.2887_2890del, p.Ala963fs (NM_030582.4); c.3592_3595del, p.Ala1198fs (NM_130444.3); short protein forms A1198fs, A963fs, A783fs.
Identifiers: ClinVar variation 3677386 (VCV003677386.3).